The following is an entry in ClinVar:

ClinVar aggregate classification (germline): Uncertain significance (1 of 4 stars; one submission).

Submission:

Labcorp Genetics (formerly Invitae), Labcorp
Classification: Uncertain significance. Last evaluated: 2020-12-03. Review status: criteria provided, single submitter. Criteria: Invitae Variant Classification Sherloc (09022015). Collection method: clinical testing. Allele origin: germline.
Comment: This variant is not present in population databases (ExAC no frequency). In summary, the available evidence is currently insufficient to determine the role of this variant in disease. Therefore, it has been classified as a Variant of Uncertain Significance. Advanced modeling of protein sequence and biophysical properties (such as structural, functional, and spatial information, amino acid conservation, physicochemical variation, residue mobility, and thermodynamic stability) performed at Invitae indicates that this missense variant is not expected to disrupt TYR protein function. This variant has not been reported in the literature in individuals with TYR-related conditions. This sequence change replaces methionine with leucine at codon 252 of the TYR protein (p.Met252Leu). The methionine residue is moderately conserved and there is a small physicochemical difference between methionine and leucine.

NM_000372.5(TYR):c.754A>T (p.Met252Leu)

Gene: TYR (tyrosinase; plus strand). Cytogenetic location: 11q14.3.
Variant type: single nucleotide variant.
Coding change: c.754A>T on transcript NM_000372.5 (MANE Select); coding-DNA position 754, A replaced by T.
Protein change: p.Met252Leu; replaces methionine 252 with leucine.
Molecular consequence: missense variant.
Genome position (GRCh38, 1-based): chr11:89,178,707, A>T. VCF-style: chr11-89178707-A-T. GRCh37 (hg19) VCF-style: chr11-88911875-A-T.
Other names: short protein forms M252L.
Identifiers: ClinVar variation 1353057 (VCV001353057.8), dbSNP rs201920649, ClinGen allele CA382035338.